The following is an entry in ClinVar:

NC_000001.10:g.(?_24127494)_(24130949_?)del

Gene: HMGCL (3-hydroxy-3-methylglutaryl-CoA lyase; minus strand). Cytogenetic location: 1p36.11.
Variant type: Deletion.
Identifiers: ClinVar variation 3247679 (VCV003247679.1).

ClinVar aggregate classification (germline): Pathogenic (1 of 4 stars; one submission).

Conditions:
Deficiency of hydroxymethylglutaryl-CoA lyase (HMGCLD). Also called: HMG-CoA LYASE DEFICIENCY; Defect in leucine metabolism; 3-hydroxy-3-methylglutaric aciduria; HMGCL DEFICIENCY; HYDROXYMETHYLGLUTARIC ACIDURIA. Identifiers: Orphanet 20, MedGen C1533587, MONDO:0009520, OMIM 246450.

Submission:

Labcorp Genetics (formerly Invitae), Labcorp
Classification: Pathogenic for Deficiency of hydroxymethylglutaryl-CoA lyase. Last evaluated: 2023-06-29. Review status: criteria provided, single submitter. Criteria: Invitae Variant Classification Sherloc (09022015). Collection method: clinical testing. Allele origin: unknown.
Comment: For these reasons, this variant has been classified as Pathogenic. This variant disrupts a region of the HMGCL protein in which other variant(s) (p.Phe305Tyrfs*10) have been determined to be pathogenic (PMID: 2443756, 6085636, 9463337). This suggests that this is a clinically significant region of the protein, and that variants that disrupt it are likely to be disease-causing. This variant has not been reported in the literature in individuals affected with HMGCL-related conditions. This variant results in the deletion of exon 9 and part of exon 8 (c.817_*1459del) of the HMGCL gene. While this deletion is not anticipated to lead to nonsense mediated decay, it is expected to alter mRNA translation or result in a truncated protein product.

Literature cited by the submitters: PubMed 2443756; PubMed 6085636; PubMed 9463337.